The following is an entry in ClinVar:

ClinVar aggregate classification (germline): Conflicting classifications of pathogenicity. Review status: criteria provided, conflicting classifications (1 of 4 stars). 2 submissions from 2 submitters: Uncertain significance (1); Likely benign (1). Last evaluated 2025-10-29.

Conditions:
Autoimmune interstitial lung disease-arthritis syndrome. Also called: Autoinflammation and autoimmunity, systemic, with immune dysregulation. Identifiers: Orphanet 444092, MedGen C5975714, MONDO:0014629.
Inborn genetic diseases. Identifiers: MedGen C0950123, MeSH D030342.

Allele frequency attached by ClinVar (database versions not stated): gnomAD 0.00003; TOPMed 0.00004; gnomAD exomes 0.00006; ExAC 0.00007; ESP Exome Variant Server 0.00008.
gnomAD v4.1: 53 of 1,614,042 alleles (0.0033%); highest among the groups gnomAD compares: Middle Eastern, 0.016%; no homozygotes.

Submissions (2):

Labcorp Genetics (formerly Invitae), Labcorp
Classification: Likely benign for Autoimmune interstitial lung disease-arthritis syndrome. Last evaluated: 2025-10-29. Review status: criteria provided, single submitter. Criteria: Invitae Variant Classification Sherloc (09022015). Collection method: clinical testing. Allele origin: germline.

Ambry Genetics
Classification: Uncertain significance for Inborn genetic diseases. Last evaluated: 2021-11-12. Review status: criteria provided, single submitter. Criteria: Ambry Variant Classification Scheme 2023. Collection method: clinical testing. Allele origin: germline.

NM_004371.4(COPA):c.3533G>A (p.Arg1178His)

Gene: COPA (coat protein complex I subunit alpha; minus strand). Cytogenetic location: 1q23.2.
Variant type: single nucleotide variant.
Coding change: c.3533G>A on transcript NM_004371.4 (MANE Select); coding-DNA position 3533, G replaced by A.
Protein change: p.Arg1178His; replaces arginine 1178 with histidine.
Molecular consequence: missense variant.
Genome position (GRCh38, 1-based): chr1:160,290,574, C>T on the plus strand (G>A on the coding strand, the complement: COPA is on the minus strand). VCF-style: chr1-160290574-C-T. GRCh37 (hg19) VCF-style: chr1-160260364-C-T.
Other names: c.3533G>A (NM_004371.3); c.3560G>A, p.Arg1187His (NM_001098398.2); c.3560G>A (NM_001098398.1); short protein forms R1187H, R1178H.
Identifiers: ClinVar variation 1488228 (VCV001488228.11), dbSNP rs373521245, ClinGen allele CA1197596.